The following is an entry in ClinVar:

ClinVar aggregate classification (germline): Pathogenic (1 of 4 stars; one submission).

Conditions:
Hereditary cancer-predisposing syndrome. Also called: Neoplastic Syndromes, Hereditary; Tumor predisposition; Hereditary Cancer Syndrome; Hereditary neoplastic syndrome. Identifiers: Orphanet 140162, MedGen C0027672, MeSH D009386, MONDO:0015356.

Submission:

Ambry Genetics
Classification: Pathogenic for Hereditary cancer-predisposing syndrome. Last evaluated: 2025-10-14. Review status: criteria provided, single submitter. Criteria: Ambry Variant Classification Scheme 2023. Collection method: clinical testing. Allele origin: germline.
Comment: The c.1037delC variant, located in coding exon 6 of the MEN1 gene, results from a deletion of one nucleotide at nucleotide position 1037, causing a translational frameshift with a predicted alternate stop codon (p.T346Mfs*22). This variant was reported in individual(s) with features consistent with multiple endocrine neoplasia type 1 (Ambry internal data). This variant is considered to be rare based on population cohorts in the Genome Aggregation Database (gnomAD). This alteration is expected to result in loss of function by premature protein truncation or nonsense-mediated mRNA decay. As such, this alteration is interpreted as a disease-causing mutation.

NM_001370259.2(MEN1):c.1037del (p.Thr346fs)

Gene: MEN1 (menin 1; minus strand). Cytogenetic location: 11q13.1.
Variant type: Deletion.
Coding change: c.1037del on transcript NM_001370259.2 (MANE Select); coding-DNA position 1037, one base deleted (C; older notation c.1037delC).
Protein change: p.Thr346fs; shifts the reading frame from threonine 346.
Molecular consequence: frameshift variant. On other transcripts: non-coding transcript variant (4).
Genome position (GRCh38, 1-based): chr11:64,806,244, G deleted on the plus strand (C on the coding strand, the reverse complement: MEN1 is on the minus strand). VCF-style (leftmost placement, unchanged base first): chr11-64806243-AG-A. GRCh37 (hg19) VCF-style: chr11-64573715-AG-A.
Other names: c.1052del, p.Thr351fs (NM_000244.4, NM_001407145.1, NM_001407150.1 and 5 more transcripts); c.1037del, p.Thr346fs (NM_001370251.2, NM_001370260.2, NM_001370261.2 and 7 more transcripts); c.932del, p.Thr311fs (NM_001370262.2, NM_001370263.2, NM_001407148.1 and 2 more transcripts); short protein forms T346fs, T311fs, T351fs.
Identifiers: ClinVar variation 4646346 (VCV004646346.1).
Genomic context (GRCh38, chr11:64,806,243, plus strand): 5'-TGGAGGGGAAGAAAGGACAGGCTGCAGGCCCTAGTAGGGGGATCCTCACTCCTGGATGAC[AG>A]TGGCCGTGTCCGCCCAGGCCTGCAGGGCTTCCCGCACATTGCGGTTGCGACAGTGGTAGC-3'